The following is an entry in ClinVar:

NM_015884.4(MBTPS2):c.638C>T (p.Ser213Leu)

Gene: MBTPS2 (membrane bound transcription factor peptidase, site 2; plus strand). Cytogenetic location: Xp22.12.
Variant type: single nucleotide variant.
Coding change: c.638C>T on transcript NM_015884.4 (MANE Select); coding-DNA position 638, C replaced by T.
Protein change: p.Ser213Leu; replaces serine 213 with leucine.
Molecular consequence: missense variant.
Genome position (GRCh38, 1-based): chrX:21,853,471, C>T. VCF-style: chrX-21853471-C-T. GRCh37 (hg19) VCF-style: chrX-21871589-C-T.
Other names: short protein forms S213L.
Identifiers: ClinVar variation 2910481 (VCV002910481.3), dbSNP rs1393102443, ClinGen allele CA412563130.

ClinVar aggregate classification (germline): Uncertain significance (1 of 4 stars; one submission).

Allele frequency attached by ClinVar (database versions not stated): gnomAD exomes below 0.00001.
gnomAD v4.1: 2 of 1,208,272 alleles (0.00017%); highest among the groups gnomAD compares: Non-Finnish European, 0.00011%; no homozygotes.

Submission:

Labcorp Genetics (formerly Invitae), Labcorp
Classification: Uncertain significance. Last evaluated: 2023-05-10. Review status: criteria provided, single submitter. Criteria: Invitae Variant Classification Sherloc (09022015). Collection method: clinical testing. Allele origin: germline.
Comment: In summary, the available evidence is currently insufficient to determine the role of this variant in disease. Therefore, it has been classified as a Variant of Uncertain Significance. Advanced modeling of protein sequence and biophysical properties (such as structural, functional, and spatial information, amino acid conservation, physicochemical variation, residue mobility, and thermodynamic stability) performed at Invitae indicates that this missense variant is expected to disrupt MBTPS2 protein function. This missense change has been observed in individual(s) with keratosis follicularis spinulosa decalvans (PMID: 29951998). It has also been observed to segregate with disease in related individuals. This variant is present in population databases (no rsID available, gnomAD 0.001%). This sequence change replaces serine, which is neutral and polar, with leucine, which is neutral and non-polar, at codon 213 of the MBTPS2 protein (p.Ser213Leu).

Literature cited by the submitters: PubMed 29951998.